The following is an entry in ClinVar:

ClinVar aggregate classification (germline): Pathogenic (1 of 4 stars; one submission).

Conditions:
Mucopolysaccharidosis, MPS-IV-A (MPS4A). Also called: Morquio syndrome A, mild; MORQUIO SYNDROME A; GALACTOSAMINE-6-SULFATASE DEFICIENCY; GALNS DEFICIENCY; MORQUIO A DISEASE; Mucopolysaccharidosis type IV A. Identifiers: Orphanet 309297, Orphanet 582, MedGen C0086651, MONDO:0009659, OMIM 253000.

Submission:

Labcorp Genetics (formerly Invitae), Labcorp
Classification: Pathogenic for Mucopolysaccharidosis, MPS-IV-A. Last evaluated: 2022-10-03. Review status: criteria provided, single submitter. Criteria: Invitae Variant Classification Sherloc (09022015). Collection method: clinical testing. Allele origin: germline.
Comment: This variant disrupts a region of the GALNS protein in which other variant(s) (p.Trp496Ser) have been determined to be pathogenic (Invitae). This suggests that this is a clinically significant region of the protein, and that variants that disrupt it are likely to be disease-causing. This variant has not been reported in the literature in individuals affected with GALNS-related conditions. This variant is not present in population databases (gnomAD no frequency). This sequence change creates a premature translational stop signal (p.Trp491*) in the GALNS gene. While this is not anticipated to result in nonsense mediated decay, it is expected to disrupt the last 32 amino acid(s) of the GALNS protein. For these reasons, this variant has been classified as Pathogenic.

NM_000512.5(GALNS):c.1473G>A (p.Trp491Ter)

Genes: GALNS (galactosamine (N-acetyl)-6-sulfatase; minus strand), LOC126862447 (CDK7 strongly-dependent group 2 enhancer GRCh37_chr16:88884193-88885392; plus strand). Cytogenetic location: 16q24.3.
Variant type: single nucleotide variant.
Coding change: c.1473G>A on transcript NM_000512.5 (MANE Select); coding-DNA position 1473, G replaced by A.
Protein change: p.Trp491Ter; replaces tryptophan 491 with a stop codon.
Molecular consequence: nonsense.
Genome position (GRCh38, 1-based): chr16:88,818,016, C>T on the plus strand (G>A on the coding strand, the complement: GALNS is on the minus strand). VCF-style: chr16-88818016-C-T. GRCh37 (hg19) VCF-style: chr16-88884424-C-T.
Other names: c.918G>A, p.Trp306Ter (NM_001323543.2); c.1491G>A, p.Trp497Ter (NM_001323544.2); short protein forms W497*, W306*, W491*.
Identifiers: ClinVar variation 2016097 (VCV002016097.4), dbSNP rs1408673965, ClinGen allele CA397094107.